The following is an entry in ClinVar:

NM_001130438.3(SPTAN1):c.958C>T (p.Arg320Cys)

Gene: SPTAN1 (spectrin alpha, non-erythrocytic 1; plus strand). Cytogenetic location: 9q34.11.
Variant type: single nucleotide variant.
Coding change: c.958C>T on transcript NM_001130438.3 (MANE Select); coding-DNA position 958, C replaced by T.
Protein change: p.Arg320Cys; replaces arginine 320 with cysteine.
Molecular consequence: missense variant.
Genome position (GRCh38, 1-based): chr9:128,577,379, C>T. VCF-style: chr9-128577379-C-T. GRCh37 (hg19) VCF-style: chr9-131339658-C-T.
Other names: c.958C>T, p.Arg320Cys (NM_001195532.2, NM_001363759.2, NM_001363765.2 and 1 more transcripts); short protein forms R320C.
Identifiers: ClinVar variation 198767 (VCV000198767.17), dbSNP rs794727910, ClinGen allele CA247581.
Genomic context (GRCh38, chr9:128,577,379, plus strand): 5'-CAGGAGAATAGTTCTGACGGAGTTCATTTCTAGGTCAAAGCCCTGTGTGCTGAGGCTGAC[C>T]GCCTGCAACAGTCCCACCCTCTGAGTGCAACACAGATTCAAGTGAAGCGAGAGGAACTGA-3'
Protein context (NP_001123910.1, residues 310-330): KVKALCAEAD[Arg320Cys]LQQSHPLSAT

ClinVar aggregate classification (germline): Uncertain significance. Review status: criteria provided, multiple submitters, no conflicts (2 of 4 stars). 4 submissions from 4 submitters: Uncertain significance (4). Last evaluated 2024-07-12.

Conditions:
Early-infantile DEE. Also called: Early infantile epileptic encephalopathy; Early infantile epileptic encephalopathy with suppression bursts; Ohtahara syndrome. Identifiers: Orphanet 1934, MedGen C0393706, MONDO:0800491.
Developmental and epileptic encephalopathy, 5 (DEE5). Identifiers: Orphanet 3451, MedGen C3150731, MONDO:0013277, OMIM 613477.
Spastic paraplegia 91, autosomal dominant, with or without cerebellar ataxia (SPG91). Identifiers: MedGen C5882701, MONDO:0957813, OMIM 620538.
Developmental delay with or without epilepsy (DEVEP). Identifiers: MedGen C5882702, MONDO:0957815, OMIM 620540.
Neuronopathy, distal hereditary motor, autosomal dominant 11. Also called: NEUROPATHY, DISTAL HEREDITARY MOTOR, 11. Identifiers: MedGen C5882697, MONDO:0957875, OMIM 620528.

Allele frequency attached by ClinVar (database versions not stated): gnomAD exomes below 0.00001; gnomAD 0.00001; TOPMed 0.00001.
gnomAD v4.1: 7 of 1,614,036 alleles (0.00043%); highest among the groups gnomAD compares: Admixed American, 0.0017%; no homozygotes.

Submissions (4):

Labcorp Genetics (formerly Invitae), Labcorp
Classification: Uncertain significance for Early-infantile DEE. Last evaluated: 2024-07-12. Review status: criteria provided, single submitter. Criteria: Invitae Variant Classification Sherloc (09022015). Collection method: clinical testing. Allele origin: germline.
Comment: This sequence change replaces arginine, which is basic and polar, with cysteine, which is neutral and slightly polar, at codon 320 of the SPTAN1 protein (p.Arg320Cys). This variant is not present in population databases (gnomAD no frequency). This variant has not been reported in the literature in individuals affected with SPTAN1-related conditions. ClinVar contains an entry for this variant (Variation ID: 198767). Advanced modeling of protein sequence and biophysical properties (such as structural, functional, and spatial information, amino acid conservation, physicochemical variation, residue mobility, and thermodynamic stability) has been performed at Invitae for this missense variant, however the output from this modeling did not meet the statistical confidence thresholds required to predict the impact of this variant on SPTAN1 protein function. In summary, the available evidence is currently insufficient to determine the role of this variant in disease. Therefore, it has been classified as a Variant of Uncertain Significance.

Department of Pathology and Laboratory Medicine, Sinai Health System
Classification: Uncertain significance for Developmental and epileptic encephalopathy, 5; Neuronopathy, distal hereditary motor, autosomal dominant 11; Spastic paraplegia 91, autosomal dominant, with or without cerebellar ataxia; Developmental delay with or without epilepsy. Last evaluated: 2021-07-30. Review status: criteria provided, single submitter. Criteria: ACMG Guidelines, 2015. Collection method: research. Allele origin: germline.

Genome-Nilou Lab
Classification: Uncertain significance for Developmental and epileptic encephalopathy, 5. Last evaluated: 2021-07-15. Review status: criteria provided, single submitter. Criteria: ACMG Guidelines, 2015. Collection method: clinical testing. Allele origin: germline. Affected: no.

Eurofins Ntd Llc (ga)
Classification: Uncertain significance. Last evaluated: 2015-03-06. Review status: criteria provided, single submitter. Criteria: EGL Classification Definitions 2015. Collection method: clinical testing. Allele origin: germline. Observed: 2 variant alleles, 2 heterozygotes.